The following is an entry in ClinVar:

ClinVar aggregate classification (germline): Uncertain significance (1 of 4 stars; one submission).

Conditions:
Peroxisome biogenesis disorder 3A (Zellweger). Also called: PEROXISOMAL BIOGENESIS DISORDER 3A (ZELLWEGER); Peroxisome biogenesis disorder 3A. Identifiers: Orphanet 912, MedGen C3553929, MONDO:0013927, OMIM 614859.

Submission:

Labcorp Genetics (formerly Invitae), Labcorp
Classification: Uncertain significance for Peroxisome biogenesis disorder 3A (Zellweger). Last evaluated: 2021-11-27. Review status: criteria provided, single submitter. Criteria: Invitae Variant Classification Sherloc (09022015). Collection method: clinical testing. Allele origin: germline.
Comment: This variant, c.771_773del, results in the deletion of 1 amino acid(s) of the PEX12 protein (p.Phe257del), but otherwise preserves the integrity of the reading frame. This variant is not present in population databases (gnomAD no frequency). This variant has not been reported in the literature in individuals affected with PEX12-related conditions. Experimental studies and prediction algorithms are not available or were not evaluated, and the functional significance of this variant is currently unknown. In summary, the available evidence is currently insufficient to determine the role of this variant in disease. Therefore, it has been classified as a Variant of Uncertain Significance.

NM_000286.3(PEX12):c.768CTT[1] (p.Phe257del)

Gene: PEX12 (peroxisomal biogenesis factor 12; minus strand). Cytogenetic location: 17q12.
Variant type: Microsatellite.
Coding change: c.768CTT[1] on transcript NM_000286.3 (MANE Select); one copy of the 3-base unit CTT starting at c.768; the reference has two copies in a row; one copy, 3 bases deleted.
Protein change: p.Phe257del; deletes phenylalanine 257.
Molecular consequence: inframe deletion.
Genome position (GRCh38, 1-based): chr17:35,576,089-35,576,091, AAG deleted on the plus strand (CTT on the coding strand, the reverse complement: PEX12 is on the minus strand); deleting any 3 consecutive bases within chr17:35,576,089-35,576,096 gives the same sequence; the position shown is the placement nearest the transcript's 3' end. VCF-style (leftmost placement, unchanged base first): chr17-35576088-CAAG-C. GRCh37 (hg19) VCF-style: chr17-33903107-CAAG-C.
Other names: short protein forms F257del.
Identifiers: ClinVar variation 1412868 (VCV001412868.3), dbSNP rs1567729860, ClinGen allele CA919831257.